The following is an entry in ClinVar:

ClinVar aggregate classification (germline): Conflicting classifications of pathogenicity. Review status: criteria provided, conflicting classifications (1 of 4 stars). 2 submissions from 2 submitters: Likely pathogenic (1); Uncertain significance (1). Last evaluated 2022-05-04.

Conditions:
Cone-rod dystrophy 6 (CORD6). Also called: RETINAL CONE DYSTROPHY 2; Cone dystrophy progressive. Identifiers: Orphanet 1872, MedGen C1866293, MONDO:0011143, OMIM 601777.
Leber congenital amaurosis 1 (LCA1). Also called: AMAUROSIS CONGENITA OF LEBER I; Congenital absence of the rods and cones; Leber's congenital tapetoretinal degeneration; Leber's congenital tapetoretinal dysplasia; RETINAL BLINDNESS, CONGENITAL. Identifiers: Orphanet 65, MedGen C2931258, MONDO:0008764, OMIM 204000.

Allele frequency attached by ClinVar (database versions not stated): gnomAD exomes below 0.00001.
gnomAD v4.1: 1 of 1,612,002 alleles (0.000062%); highest among the groups gnomAD compares: Non-Finnish European, 0.000085%; no homozygotes.

Submissions (2):

Labcorp Genetics (formerly Invitae), Labcorp
Classification: Uncertain significance for Leber congenital amaurosis 1; Cone-rod dystrophy 6. Last evaluated: 2022-05-04. Review status: criteria provided, single submitter. Criteria: Invitae Variant Classification Sherloc (09022015). Collection method: clinical testing. Allele origin: germline.
Comment: This sequence change replaces proline, which is neutral and non-polar, with arginine, which is basic and polar, at codon 938 of the GUCY2D protein (p.Pro938Arg). In summary, the available evidence is currently insufficient to determine the role of this variant in disease. Therefore, it has been classified as a Variant of Uncertain Significance. Algorithms developed to predict the effect of missense changes on protein structure and function (SIFT, PolyPhen-2, Align-GVGD) all suggest that this variant is likely to be disruptive. ClinVar contains an entry for this variant (Variation ID: 916319). This missense change has been observed in individual(s) with clinical features of autosomal recessive Leber congenital amaurosis (Invitae). In at least one individual the data is consistent with being in trans (on the opposite chromosome) from a pathogenic variant. This variant is not present in population databases (gnomAD no frequency).

CeGaT Center for Human Genetics Tuebingen
Classification: Likely pathogenic. Last evaluated: 2020-03-01. Review status: criteria provided, single submitter. Criteria: CeGaT Center For Human Genetics Tuebingen Variant Classification Criteria Version 2. Collection method: clinical testing. Allele origin: germline. Affected: yes. Observed: 1 variant allele.

NM_000180.4(GUCY2D):c.2813C>G (p.Pro938Arg)

Gene: GUCY2D (guanylate cyclase 2D, retinal; plus strand). Cytogenetic location: 17p13.1.
Variant type: single nucleotide variant.
Coding change: c.2813C>G on transcript NM_000180.4 (MANE Select); coding-DNA position 2813, C replaced by G.
Protein change: p.Pro938Arg; replaces proline 938 with arginine.
Molecular consequence: missense variant.
Genome position (GRCh38, 1-based): chr17:8,015,371, C>G. VCF-style: chr17-8015371-C-G. GRCh37 (hg19) VCF-style: chr17-7918689-C-G.
Other names: short protein forms P938R.
Identifiers: ClinVar variation 916319 (VCV000916319.44), dbSNP rs1975945188, ClinGen allele CA397954414.